The following is an entry in ClinVar:

NM_014317.5(PDSS1):c.129+5G>C

Gene: PDSS1 (decaprenyl diphosphate synthase subunit 1; plus strand). Cytogenetic location: 10p12.1.
Variant type: single nucleotide variant.
Coding change: c.129+5G>C on transcript NM_014317.5 (MANE Select); 5 bases into the intron after coding-DNA position 129, G replaced by C.
Molecular consequence: intron variant.
Genome position (GRCh38, 1-based): chr10:26,697,845, G>C. VCF-style: chr10-26697845-G-C. GRCh37 (hg19) VCF-style: chr10-26986774-G-C.
Other names: c.-465+5G>C (NM_001321979.2); c.129+5G>C (NM_001321978.2).
Identifiers: ClinVar variation 1918402 (VCV001918402.6), dbSNP rs967101662, ClinGen allele CA205006627.
Genomic context (GRCh38, chr10:26,697,845, plus strand): 5'-CCCCCGGCCGTGCGGGACCGTTGGGGCCGAGCGCCGCTGCCGAAGTCCGCGCGCAGGTGA[G>C]GTTGGGAGGCGCGCGCCCGGCGGGGCTCAGAGGTCACGGCTCCAATGACAGCAGTGGGCG-3'

ClinVar aggregate classification (germline): Uncertain significance. Review status: criteria provided, multiple submitters, no conflicts (2 of 4 stars). 2 submissions from 2 submitters: Uncertain significance (2). Last evaluated 2024-04-19.

Conditions:
Deafness-encephaloneuropathy-obesity-valvulopathy syndrome. Identifiers: Orphanet 254898, MedGen C3553354, MONDO:0013837, OMIM 614651.

Allele frequency attached by ClinVar (database versions not stated): gnomAD exomes below 0.00001; gnomAD 0.00001; TOPMed 0.00001.
gnomAD v4.1: 2 of 1,320,052 alleles (0.00015%); highest among the groups gnomAD compares: African/African-American, 0.003%; no homozygotes.

Submissions (2):

Fulgent Genetics
Classification: Uncertain significance for Deafness-encephaloneuropathy-obesity-valvulopathy syndrome. Last evaluated: 2024-04-19. Review status: criteria provided, single submitter. Criteria: ACMG Guidelines, 2015. Collection method: clinical testing. Allele origin: germline.

Labcorp Genetics (formerly Invitae), Labcorp
Classification: Uncertain significance. Last evaluated: 2022-03-11. Review status: criteria provided, single submitter. Criteria: Invitae Variant Classification Sherloc (09022015). Collection method: clinical testing. Allele origin: germline.
Comment: Variants that disrupt the consensus splice site are a relatively common cause of aberrant splicing (PMID: 17576681, 9536098). Algorithms developed to predict the effect of sequence changes on RNA splicing suggest that this variant may create or strengthen a splice site. This variant has not been reported in the literature in individuals affected with PDSS1-related conditions. This variant is not present in population databases (gnomAD no frequency). This sequence change falls in intron 1 of the PDSS1 gene. It does not directly change the encoded amino acid sequence of the PDSS1 protein. It affects a nucleotide within the consensus splice site. In summary, the available evidence is currently insufficient to determine the role of this variant in disease. Therefore, it has been classified as a Variant of Uncertain Significance.

Literature cited by the submitters: PubMed 17576681 (cited by Labcorp Genetics (formerly Invitae), Labcorp); PubMed 9536098 (cited by Labcorp Genetics (formerly Invitae), Labcorp).